The following is an entry in ClinVar:

NM_000434.4(NEU1):c.353-2A>G

Gene: NEU1 (neuraminidase 1; minus strand). Cytogenetic location: 6p21.33.
Variant type: single nucleotide variant.
Coding change: c.353-2A>G on transcript NM_000434.4 (MANE Select); the canonical splice acceptor site of the intron before coding-DNA position 353, A replaced by G.
Molecular consequence: splice acceptor variant.
Genome position (GRCh38, 1-based): chr6:31,861,452, T>C on the plus strand (A>G on the coding strand, the complement: NEU1 is on the minus strand). VCF-style: chr6-31861452-T-C. GRCh37 (hg19) VCF-style: chr6-31829229-T-C.
Identifiers: ClinVar variation 218331 (VCV000218331.2), dbSNP rs864309513, ClinGen allele CA213394.

ClinVar aggregate classification (germline): Pathogenic (0 of 4 stars; one submission).

Conditions:
Non-immune hydrops fetalis (NIHF). Also called: Fetal edema; Idiopathic hydrops fetalis; Familial non-immune hydrops fetalis. Identifiers: Orphanet 363999, MedGen C0455988, MONDO:0009369, OMIM 236750, HP:0001790.
Sialidosis type 2. Also called: LIPOMUCOPOLYSACCHARIDOSIS; NEURAMINIDASE DEFICIENCY; ML I; NEU DEFICIENCY; NEUG DEFICIENCY; NEURAMINIDASE 1 DEFICIENCY. Identifiers: Orphanet 812, Orphanet 87876, MedGen C4282398, MONDO:0009738, OMIM 256550.

Submission:

Genomic Medicine Lab, University of Southampton
Classification: Pathogenic for Nonimmune hydrops fetalis; Sialidiosis. Last evaluated: 2014-06-22. Review status: no assertion criteria provided. Collection method: clinical testing. Allele origin: germline. Affected: yes.
Comment: The splice site mutation (chr6: 31,829,229 T > C) compromises the recognition of SR-proteins at the 3’ acceptor site and thereby lead to skipping of the exon 3 from the final transcript.